The following is an entry in ClinVar:

ClinVar aggregate classification (germline): Uncertain significance (1 of 4 stars; one submission).

Conditions:
Charcot-Marie-Tooth disease type 2R. Also called: Charcot-Marie-Tooth disease, axonal, type 2R; CHARCOT-MARIE-TOOTH DISEASE, AXONAL, AUTOSOMAL RECESSIVE, TYPE 2R; CHARCOT-MARIE-TOOTH NEUROPATHY, TYPE 2R. Identifiers: Orphanet 397968, MedGen C3809655, MONDO:0014208, OMIM 615490.

Allele frequency attached by ClinVar (database versions not stated): gnomAD exomes below 0.00001; gnomAD 0.00001; TOPMed 0.00001.
gnomAD v4.1: 4 of 1,613,418 alleles (0.00025%); highest among the groups gnomAD compares: African/African-American, 0.0013%; no homozygotes.

Submission:

Labcorp Genetics (formerly Invitae), Labcorp
Classification: Uncertain significance for Charcot-Marie-Tooth disease type 2R. Last evaluated: 2023-10-04. Review status: criteria provided, single submitter. Criteria: Invitae Variant Classification Sherloc (09022015). Collection method: clinical testing. Allele origin: germline.
Comment: This sequence change falls in intron 9 of the TRIM2 gene. It does not directly change the encoded amino acid sequence of the TRIM2 protein. This variant is present in population databases (no rsID available, gnomAD 0.002%). This variant has not been reported in the literature in individuals affected with TRIM2-related conditions. Algorithms developed to predict the effect of sequence changes on RNA splicing suggest that this variant may create or strengthen a splice site. In summary, the available evidence is currently insufficient to determine the role of this variant in disease. Therefore, it has been classified as a Variant of Uncertain Significance.

NM_015271.5(TRIM2):c.1951+20G>A

Gene: TRIM2 (tripartite motif containing 2; plus strand). Cytogenetic location: 4q31.3.
Variant type: single nucleotide variant.
Coding change: c.1951+20G>A on transcript NM_015271.5 (MANE Select); 20 bases into the intron after coding-DNA position 1951, G replaced by A.
Molecular consequence: intron variant.
Genome position (GRCh38, 1-based): chr4:153,322,836, G>A. VCF-style: chr4-153322836-G-A. GRCh37 (hg19) VCF-style: chr4-154243988-G-A.
Other names: c.1870+20G>A (NM_001375517.1, NM_001375514.1, NM_001375513.1 and 4 more transcripts); c.1882+8G>A (NM_001351056.2); c.1612+20G>A (NM_001375525.1, NM_001375523.1, NM_001375522.1); c.1495+20G>A (NM_001351057.2); c.2044+20G>A (NM_001375488.1); c.1894+20G>A (NM_001375490.1); c.1618+20G>A (NM_001375519.1); c.2041+20G>A (NM_001375489.1); and 4 more.
Identifiers: ClinVar variation 2999524 (VCV002999524.3), dbSNP rs1211949104, ClinGen allele CA555970938.